The following is an entry in ClinVar:

NM_138413.4(HOGA1):c.863T>G (p.Leu288Arg)

Gene: HOGA1 (4-hydroxy-2-oxoglutarate aldolase 1; plus strand). Cytogenetic location: 10q24.2.
Variant type: single nucleotide variant.
Coding change: c.863T>G on transcript NM_138413.4 (MANE Select); coding-DNA position 863, T replaced by G.
Protein change: p.Leu288Arg; replaces leucine 288 with arginine.
Molecular consequence: missense variant.
Genome position (GRCh38, 1-based): chr10:97,611,538, T>G. VCF-style: chr10-97611538-T-G. GRCh37 (hg19) VCF-style: chr10-99371295-T-G.
Other names: c.374T>G, p.Leu125Arg (NM_001134670.2); short protein forms L288R, L125R.
Identifiers: ClinVar variation 3598770 (VCV003598770.2).
Genomic context (GRCh38, chr10:97,611,538, plus strand): 5'-CTCAGTCTCTTCTAACAGGCCCTGCTTTGCAGGTGACCCGGCGCTTTGGGATCCCAGGGC[T>G]GAAGAAAATCATGGACTGGTTTGGCTACTATGGAGGCCCCTGCCGCGCCCCCTTGCAGGA-3'
Protein context (NP_612422.2, residues 278-298): AVTRRFGIPG[Leu288Arg]KKIMDWFGYY

ClinVar aggregate classification (germline): Uncertain significance. Review status: criteria provided, multiple submitters, no conflicts (2 of 4 stars). 2 submissions from 2 submitters: Uncertain significance (2). Last evaluated 2025-09-14.

Conditions:
Primary hyperoxaluria type 3. Also called: PH III. Identifiers: Orphanet 416, Orphanet 93600, MedGen C3150878, MONDO:0013327, OMIM 613616. Disease mechanism: loss of function.

gnomAD v4.1: 5 of 1,614,124 alleles (0.00031%); highest among the groups gnomAD compares: South Asian, 0.0055%; no homozygotes.

Submissions (2):

Labcorp Genetics (formerly Invitae), Labcorp
Classification: Uncertain significance. Last evaluated: 2025-09-14. Review status: criteria provided, single submitter. Criteria: Invitae Variant Classification Sherloc (09022015). Collection method: clinical testing. Allele origin: germline.
Comment: This sequence change replaces leucine, which is neutral and non-polar, with arginine, which is basic and polar, at codon 288 of the HOGA1 protein (p.Leu288Arg). This variant is not present in population databases (gnomAD no frequency). This variant has not been reported in the literature in individuals affected with HOGA1-related conditions. ClinVar contains an entry for this variant (Variation ID: 3598770). Invitae Evidence Modeling of protein sequence and biophysical properties (such as structural, functional, and spatial information, amino acid conservation, physicochemical variation, residue mobility, and thermodynamic stability) indicates that this missense variant is expected to disrupt HOGA1 protein function with a positive predictive value of 95%. In summary, the available evidence is currently insufficient to determine the role of this variant in disease. Therefore, it has been classified as a Variant of Uncertain Significance.

Fulgent Genetics
Classification: Uncertain significance for Primary hyperoxaluria type 3. Last evaluated: 2024-05-07. Review status: criteria provided, single submitter. Criteria: ACMG Guidelines, 2015. Collection method: clinical testing. Allele origin: germline.